The following is an entry in ClinVar:

ClinVar aggregate classification (germline): Benign/Likely benign. Review status: criteria provided, multiple submitters, no conflicts (2 of 4 stars). 6 submissions from 6 submitters: Benign (3); Likely benign (3). Last evaluated 2026-01-31.

Conditions:
Junctional epidermolysis bullosa. Identifiers: Orphanet 305, MedGen C0079301, MONDO:0017612.

Allele frequency attached by ClinVar (database versions not stated): gnomAD exomes 0.00065 and 0.00131; ExAC 0.00148; gnomAD 0.00337 and 0.00363; ESP Exome Variant Server 0.00361; TOPMed 0.00365; 1000 Genomes Project 0.00399; 1000 Genomes Project 30x 0.00453.
gnomAD v4.1: 1,539 of 1,613,858 alleles (0.095%); highest among the groups gnomAD compares: African/African-American, 1.1%; 5 homozygotes.

Submissions (6):

Labcorp Genetics (formerly Invitae), Labcorp
Classification: Benign. Last evaluated: 2026-01-31. Review status: criteria provided, single submitter. Criteria: Invitae Variant Classification Sherloc (09022015). Collection method: clinical testing. Allele origin: germline.

Blueprint Genetics
Classification: Likely benign. Last evaluated: 2024-11-25. Review status: criteria provided, single submitter. Criteria: ACMG Guidelines, 2015. Collection method: clinical testing. Allele origin: germline.

CeGaT Center for Human Genetics Tuebingen
Classification: Likely benign. Last evaluated: 2023-06-01. Review status: criteria provided, single submitter. Criteria: CeGaT Center For Human Genetics Tuebingen Variant Classification Criteria Version 2. Collection method: clinical testing. Allele origin: germline. Affected: yes. Observed: 1 variant allele.
Comment: LAMB3: BP4, BS2

Women's Health and Genetics/Laboratory Corporation of America, LabCorp
Classification: Benign. Last evaluated: 2022-11-17. Review status: criteria provided, single submitter. Criteria: LabCorp Variant Classification Summary - May 2015. Collection method: clinical testing. Allele origin: germline.
Comment: Variant summary: LAMB3 c.1439C>T (p.Pro480Leu) results in a non-conservative amino acid change located in the Laminin EGF domain (IPR002049) of the encoded protein sequence. Four of five in-silico tools predict a damaging effect of the variant on protein function. The variant allele was found at a frequency of 0.0013 in 250774 control chromosomes, predominantly at a frequency of 0.01 within the African or African-American subpopulation in the gnomAD database, including 1 homozygote. The observed variant frequency within African or African-American control individuals in the gnomAD database is approximately 4- fold the estimated maximal expected allele frequency for a pathogenic variant in LAMB3 causing Junctional Epidermolysis Bullosa phenotype (0.002), strongly suggesting that the variant is a benign polymorphism found primarily in populations of African or African-American origin. c.1439C>T has been reported in the literature in at least one individual affected with Epidermolysis Bullosa Simplex, however this patient had a co-occurring pathogenic variant in KRT14 (c.373C>T, p.R125C; classified pathogenic in ClinVar) that was cited as likely contributing to the patient's phenotype. This report does not provide unequivocal conclusions about association of the variant with Junctional Epidermolysis Bullosa. To our knowledge, no experimental evidence demonstrating an impact on protein function has been reported. Two other clinical diagnostic laboratories have submitted clinical-significance assessments for this variant to ClinVar after 2014 without evidence for independent evaluation. Both laboratories cited the variant as benign. Based on the evidence outlined above, the variant was classified as benign.

Illumina Laboratory Services, Illumina
Classification: Benign for Junctional epidermolysis bullosa. Last evaluated: 2018-01-13. Review status: criteria provided, single submitter. Criteria: ICSL Variant Classification Criteria 13 December 2019. Collection method: clinical testing. Allele origin: germline.
Comment: This variant was observed in the ICSL laboratory as part of a predisposition screen in an ostensibly healthy population. It had not been previously curated by ICSL or reported in the Human Gene Mutation Database (HGMD: prior to June 1st, 2018), and was therefore a candidate for classification through an automated scoring system. Utilizing variant allele frequency, disease prevalence and penetrance estimates, and inheritance mode, an automated score was calculated to assess if this variant is too frequent to cause the disease. Based on the score and internal cut-off values, a variant classified as benign is not then subjected to further curation. The score for this variant resulted in a classification of benign for this disease.

Breakthrough Genomics
Classification: Likely benign. Review status: criteria provided, single submitter. Criteria: ACMG Guidelines, 2015. Collection method: not provided. Allele origin: germline. Inheritance: Autosomal recessive inheritance. Affected: yes.

Literature cited by the submitters: PubMed 29334134 (cited by Women's Health and Genetics/Laboratory Corporation of America, LabCorp).

NM_000228.3(LAMB3):c.1439C>T (p.Pro480Leu)

Gene: LAMB3 (laminin subunit beta 3; minus strand). Cytogenetic location: 1q32.2.
Variant type: single nucleotide variant.
Coding change: c.1439C>T on transcript NM_000228.3 (MANE Select); coding-DNA position 1439, C replaced by T.
Protein change: p.Pro480Leu; replaces proline 480 with leucine.
Molecular consequence: missense variant.
Genome position (GRCh38, 1-based): chr1:209,627,429, G>A on the plus strand (C>T on the coding strand, the complement: LAMB3 is on the minus strand). VCF-style: chr1-209627429-G-A. GRCh37 (hg19) VCF-style: chr1-209800774-G-A.
Other names: c.1439C>T, p.Pro480Leu (NM_001017402.2, NM_001127641.1); short protein forms P480L.
Identifiers: ClinVar variation 295108 (VCV000295108.43), dbSNP rs61734494, ClinGen allele CA1375601.